The following is an entry in ClinVar:

ClinVar aggregate classification (germline): Benign. Review status: criteria provided, single submitter (1 of 4 stars). 2 submissions from 2 submitters: Benign (1). 1 of the submissions does not count toward it. Last evaluated 2025-12-26.

Conditions:
FMN1-related disorder. Also called: FMN1-related condition.

Allele frequency attached by ClinVar (database versions not stated): ExAC 0.00119; gnomAD 0.00742; 1000 Genomes Project 30x 0.00812; 1000 Genomes Project 0.00819; TOPMed 0.00847.
gnomAD v4.1: 2,269 of 1,536,072 alleles (0.15%); highest among the groups gnomAD compares: African/African-American, 2.6%; 21 homozygotes.

Submissions (2):

Labcorp Genetics (formerly Invitae), Labcorp
Classification: Benign. Last evaluated: 2025-12-26. Review status: criteria provided, single submitter. Criteria: Invitae Variant Classification Sherloc (09022015). Collection method: clinical testing. Allele origin: germline.

PreventionGenetics, part of Exact Sciences
Classification: Benign for FMN1-related condition. Last evaluated: 2019-04-12. Review status: no assertion criteria provided. Collection method: clinical testing. Allele origin: germline. Not counted in ClinVar's aggregate classification.
Comment: This variant is classified as benign based on ACMG/AMP sequence variant interpretation guidelines (Richards et al. 2015 PMID: 25741868, with internal and published modifications).

NM_001277313.2(FMN1):c.846G>A (p.Arg282=)

Gene: FMN1 (formin 1; minus strand). Cytogenetic location: 15q13.3.
Variant type: single nucleotide variant.
Coding change: c.846G>A on transcript NM_001277313.2 (MANE Select); coding-DNA position 846, G replaced by A.
Protein change: p.Arg282=; no amino-acid change (arginine 282 retained).
Molecular consequence: synonymous variant.
Genome position (GRCh38, 1-based): chr15:33,154,069, C>T on the plus strand (G>A on the coding strand, the complement: FMN1 is on the minus strand). VCF-style: chr15-33154069-C-T. GRCh37 (hg19) VCF-style: chr15-33446270-C-T.
Other names: c.846G>A, p.Arg282= (NM_001277314.2); c.846G>A (NM_001277313.1).
Identifiers: ClinVar variation 2049438 (VCV002049438.6), dbSNP rs61744894, ClinGen allele CA7457564.